The following is an entry in ClinVar:

ClinVar aggregate classification (germline): Likely benign. Review status: criteria provided, multiple submitters, no conflicts (2 of 4 stars). 4 submissions from 4 submitters: Likely benign (3). 1 of the submissions does not count toward it. Last evaluated 2026-01-01.

Conditions:
WDPCP-related disorder. Also called: WDPCP-related condition.
Bardet-Biedl syndrome (BBS). Identifiers: Orphanet 110, MedGen C0752166, MONDO:0015229.

Allele frequency attached by ClinVar (database versions not stated): gnomAD 0.00003; TOPMed 0.00003; gnomAD exomes 0.00004 and 0.00005; ExAC 0.00007.
gnomAD v4.1: 67 of 1,578,364 alleles (0.0042%); highest among the groups gnomAD compares: Admixed American, 0.007%; no homozygotes.

Submissions (4):

CeGaT Center for Human Genetics Tuebingen
Classification: Likely benign. Last evaluated: 2026-01-01. Review status: criteria provided, single submitter. Criteria: CeGaT Center For Human Genetics Tuebingen Variant Classification Criteria Version 2. Collection method: clinical testing. Allele origin: germline. Affected: yes. Observed: 1 variant allele.
Comment: WDPCP: BP4, BP7

Labcorp Genetics (formerly Invitae), Labcorp
Classification: Likely benign for Bardet-Biedl syndrome. Last evaluated: 2025-04-17. Review status: criteria provided, single submitter. Criteria: Invitae Variant Classification Sherloc (09022015). Collection method: clinical testing. Allele origin: germline.

Blueprint Genetics
Classification: Likely benign. Last evaluated: 2022-05-17. Review status: criteria provided, single submitter. Criteria: ACMG Guidelines, 2015. Collection method: clinical testing. Allele origin: germline.

PreventionGenetics, part of Exact Sciences
Classification: Likely benign for WDPCP-related condition. Last evaluated: 2019-03-13. Review status: no assertion criteria provided. Collection method: clinical testing. Allele origin: germline. Not counted in ClinVar's aggregate classification.
Comment: This variant is classified as likely benign based on ACMG/AMP sequence variant interpretation guidelines (Richards et al. 2015 PMID: 25741868, with internal and published modifications).

NM_015910.7(WDPCP):c.33C>T (p.Ser11=)

Gene: WDPCP (WD repeat containing planar cell polarity effector; minus strand). Cytogenetic location: 2p15.
Variant type: single nucleotide variant.
Coding change: c.33C>T on transcript NM_015910.7 (MANE Select); coding-DNA position 33, C replaced by T.
Protein change: p.Ser11=; no amino-acid change (serine 11 retained).
Molecular consequence: synonymous variant. On other transcripts: 5 prime UTR variant (1), non-coding transcript variant (2).
Genome position (GRCh38, 1-based): chr2:63,588,239, G>A on the plus strand (C>T on the coding strand, the complement: WDPCP is on the minus strand). VCF-style: chr2-63588239-G-A. GRCh37 (hg19) VCF-style: chr2-63815373-G-A.
Other names: c.-292C>T (NM_001354044.2); c.33C>T, p.Ser11= (NM_001354045.2); c.33C>T (NM_015910.5).
Identifiers: ClinVar variation 1107220 (VCV001107220.16), dbSNP rs557213834, ClinGen allele CA1682657.